The following is an entry in ClinVar:

ClinVar aggregate classification (germline): Uncertain significance (1 of 4 stars; one submission).

Conditions:
Joubert syndrome. Also called: Familial aplasia of the vermis; JOUBERT-BOLTSHAUSER SYNDROME; CEREBELLOPARENCHYMAL DISORDER IV. Identifiers: Orphanet 475, MedGen C5979921, MONDO:0018772.

gnomAD v4.1: 9 of 1,577,216 alleles (0.00057%); highest among the groups gnomAD compares: Non-Finnish European, 0.00051%; no homozygotes.

Submission:

Labcorp Genetics (formerly Invitae), Labcorp
Classification: Uncertain significance for Joubert syndrome. Last evaluated: 2025-05-23. Review status: criteria provided, single submitter. Criteria: Invitae Variant Classification Sherloc (09022015). Collection method: clinical testing. Allele origin: germline.
Comment: This sequence change replaces tryptophan, which is neutral and slightly polar, with serine, which is neutral and polar, at codon 91 of the INPP5E protein (p.Trp91Ser). This variant is present in population databases (rs773522021, gnomAD 0.003%). This variant has not been reported in the literature in individuals affected with INPP5E-related conditions. Invitae Evidence Modeling of protein sequence and biophysical properties (such as structural, functional, and spatial information, amino acid conservation, physicochemical variation, residue mobility, and thermodynamic stability) has been performed for this missense variant. However, the output from this modeling did not meet the statistical confidence thresholds required to predict the impact of this variant on INPP5E protein function. In summary, the available evidence is currently insufficient to determine the role of this variant in disease. Therefore, it has been classified as a Variant of Uncertain Significance.

NM_019892.6(INPP5E):c.272G>C (p.Trp91Ser)

Gene: INPP5E (inositol polyphosphate-5-phosphatase E; minus strand). Cytogenetic location: 9q34.3.
Variant type: single nucleotide variant.
Coding change: c.272G>C on transcript NM_019892.6 (MANE Select); coding-DNA position 272, G replaced by C.
Protein change: p.Trp91Ser; replaces tryptophan 91 with serine.
Molecular consequence: missense variant.
Genome position (GRCh38, 1-based): chr9:136,439,148, C>G on the plus strand (G>C on the coding strand, the complement: INPP5E is on the minus strand). VCF-style: chr9-136439148-C-G. GRCh37 (hg19) VCF-style: chr9-139333600-C-G.
Other names: c.272G>C, p.Trp91Ser (NM_001318502.2); short protein forms W91S.
Identifiers: ClinVar variation 4775428 (VCV004775428.1).